The following is an entry in ClinVar:

ClinVar aggregate classification (germline): Uncertain significance. Review status: criteria provided, multiple submitters, no conflicts (2 of 4 stars). 2 submissions from 2 submitters: Uncertain significance (2). Last evaluated 2021-10-11.

Conditions:
Fraser syndrome 2 (FRASRS2). Identifiers: MedGen C4540036, MONDO:0054738, OMIM 617666.
Isolated cryptophthalmia. Also called: Cryptophthalmos, unilateral or bilateral, isolated; ANKYLOBLEPHARON, SIMPLE. Identifiers: Orphanet 91396, MedGen C1852453, MONDO:0007410, OMIM 123570.

Submissions (2):

Fulgent Genetics
Classification: Uncertain significance for Isolated cryptophthalmia; Fraser syndrome 2. Last evaluated: 2021-10-11. Review status: criteria provided, single submitter. Criteria: ACMG Guidelines, 2015. Collection method: clinical testing. Allele origin: unknown.

GeneDx
Classification: Uncertain significance. Last evaluated: 2020-07-07. Review status: criteria provided, single submitter. Criteria: GeneDx Variant Classification Process June 2021. Collection method: clinical testing. Allele origin: germline. Affected: yes.
Comment: Not observed in large population cohorts (Lek et al., 2016); In silico analysis supports that this missense variant does not alter protein structure/function; Has not been previously published as pathogenic or benign to our knowledge

NM_207361.6(FREM2):c.881G>A (p.Gly294Asp)

Gene: FREM2 (FRAS1 related extracellular matrix 2; plus strand). Cytogenetic location: 13q13.3.
Variant type: single nucleotide variant.
Coding change: c.881G>A on transcript NM_207361.6 (MANE Select); coding-DNA position 881, G replaced by A.
Protein change: p.Gly294Asp; replaces glycine 294 with aspartic acid.
Molecular consequence: missense variant.
Genome position (GRCh38, 1-based): chr13:38,688,225, G>A. VCF-style: chr13-38688225-G-A. GRCh37 (hg19) VCF-style: chr13-39262362-G-A.
Other names: short protein forms G294D.
Identifiers: ClinVar variation 1313004 (VCV001313004.3), dbSNP rs1869591293, ClinGen allele CA387883118.